The following is an entry in ClinVar:

NM_000179.3(MSH6):c.72G>T (p.Ser24=)

Gene: MSH6 (mutS homolog 6; plus strand). Cytogenetic location: 2p16.3.
Variant type: single nucleotide variant.
Coding change: c.72G>T on transcript NM_000179.3 (MANE Select); coding-DNA position 72, G replaced by T.
Protein change: p.Ser24=; no amino-acid change (serine 24 retained).
Molecular consequence: synonymous variant. On other transcripts: 5 prime UTR variant (7), missense variant (1), non-coding transcript variant (5), intron variant (5).
Genome position (GRCh38, 1-based): chr2:47,783,305, G>T. VCF-style: chr2-47783305-G-T. GRCh37 (hg19) VCF-style: chr2-48010444-G-T.
Other names: c.72G>T, p.Ser24= (NM_001281492.2, NM_001406795.1, NM_001406796.1 and 9 more transcripts); c.-665G>T (NM_001281493.2, NM_001406811.1); c.-257G>T (NM_001406799.1); c.17G>T, p.Arg6Leu (NM_001406804.1); c.-857G>T (NM_001406807.1); c.-512G>T (NM_001406812.1); c.-923G>T (NM_001406814.1); c.-468G>T (NM_001406816.1); and 3 more; short protein forms R6L.
Identifiers: ClinVar variation 3904263 (VCV003904263.1).
Genomic context (GRCh38, chr2:47,783,305, plus strand): 5'-GAGCACCCTGTACAGCTTCTTCCCCAAGTCTCCGGCGCTGAGTGATGCCAACAAGGCCTC[G>T]GCCAGGGCCTCACGCGAAGGCGGCCGTGCCGCCGCTGCCCCCGGGGCCTCTCCTTCCCCA-3'
Protein context (NP_000170.1, residues 14-34): SPALSDANKA[Ser24=]ARASREGGRA

ClinVar aggregate classification (germline): Benign (1 of 4 stars; one submission).

Conditions:
Lynch syndrome 5 (LYNCH5). Also called: Colorectal cancer, hereditary nonpolyposis, type 5; Hereditary non-polyposis colorectal cancer, type 5. Identifiers: Orphanet 144, MedGen C1833477, MONDO:0013710, OMIM 614350. Disease mechanism: loss of function.

Submission:

Myriad Genetics, Inc.
Classification: Benign for Lynch syndrome 5. Last evaluated: 2024-12-17. Review status: criteria provided, single submitter. Criteria: Myriad Autosomal Dominant, Autosomal Recessive and X-Linked Classification Criteria (2023). Collection method: clinical testing. Allele origin: unknown.
Comment: This variant is considered benign. This variant is a silent/synonymous amino acid change and it is not expected to impact splicing.